The following is an entry in ClinVar:

NM_001079802.2(FKTN):c.1001C>T (p.Ala334Val)

Gene: FKTN (fukutin; plus strand). Cytogenetic location: 9q31.2.
Variant type: single nucleotide variant.
Coding change: c.1001C>T on transcript NM_001079802.2 (MANE Select); coding-DNA position 1001, C replaced by T.
Protein change: p.Ala334Val; replaces alanine 334 with valine.
Molecular consequence: missense variant. On other transcripts: non-coding transcript variant (1).
Genome position (GRCh38, 1-based): chr9:105,618,049, C>T. VCF-style: chr9-105618049-C-T. GRCh37 (hg19) VCF-style: chr9-108380330-C-T.
Other names: c.1001C>T, p.Ala334Val (NM_001198963.2, NM_001351496.2, NM_001351498.2 and 1 more transcripts); c.932C>T, p.Ala311Val (NM_001351497.2); c.605C>T, p.Ala202Val (NM_001351499.2, NM_001351500.2, NM_001351501.2 and 1 more transcripts); short protein forms A311V, A202V, A334V.
Identifiers: ClinVar variation 4695602 (VCV004695602.1).
Genomic context (GRCh38, chr9:105,618,049, plus strand): 5'-ATAGCAAAGATGTTGACCTAGGAATTTTTATACAAGATTACAAATCTGATATTATTTTAG[C>T]ATTTCAGGATGCAGGACTTCCGCTCAAACACAAATTTGGGAAGGTCAGTAACAAAAGTCG-3'
Protein context (NP_001073270.1, residues 324-344): IQDYKSDIIL[Ala334Val]FQDAGLPLKH

ClinVar aggregate classification (germline): Uncertain significance (1 of 4 stars; one submission).

Conditions:
Walker-Warburg congenital muscular dystrophy. Also called: Muscular dystrophy-dystroglycanopathy, type A; Walker-Warburg syndrome. Identifiers: Orphanet 899, MedGen C0265221, MONDO:0000171.

gnomAD v4.1: 3 of 1,610,454 alleles (0.00019%); highest among the groups gnomAD compares: East Asian, 0.0045%; no homozygotes.

Submission:

Labcorp Genetics (formerly Invitae), Labcorp
Classification: Uncertain significance for Walker-Warburg congenital muscular dystrophy. Last evaluated: 2025-06-01. Review status: criteria provided, single submitter. Criteria: Invitae Variant Classification Sherloc (09022015). Collection method: clinical testing. Allele origin: germline.
Comment: This sequence change replaces alanine, which is neutral and non-polar, with valine, which is neutral and non-polar, at codon 334 of the FKTN protein (p.Ala334Val). This variant is present in population databases (no rsID available, gnomAD 0.006%). This variant has not been reported in the literature in individuals affected with FKTN-related conditions. Invitae Evidence Modeling of protein sequence and biophysical properties (such as structural, functional, and spatial information, amino acid conservation, physicochemical variation, residue mobility, and thermodynamic stability) has been performed for this missense variant. However, the output from this modeling did not meet the statistical confidence thresholds required to predict the impact of this variant on FKTN protein function. In summary, the available evidence is currently insufficient to determine the role of this variant in disease. Therefore, it has been classified as a Variant of Uncertain Significance.